The following is an entry in ClinVar:

NM_007289.4(MME):c.450T>G (p.Asp150Glu)

Gene: MME (membrane metalloendopeptidase; plus strand). Cytogenetic location: 3q25.2.
Variant type: single nucleotide variant.
Coding change: c.450T>G on transcript NM_007289.4 (MANE Select); coding-DNA position 450, T replaced by G.
Protein change: p.Asp150Glu; replaces aspartic acid 150 with glutamic acid.
Molecular consequence: missense variant.
Genome position (GRCh38, 1-based): chr3:155,116,674, T>G. VCF-style: chr3-155116674-T-G. GRCh37 (hg19) VCF-style: chr3-154834463-T-G.
Other names: c.450T>G (NM_007289.2); c.450T>G, p.Asp150Glu (NM_000902.5, NM_001354642.2, NM_001354643.1 and 2 more transcripts); short protein forms D150E.
Identifiers: ClinVar variation 1383296 (VCV001383296.6), dbSNP rs201578556, ClinGen allele CA85808322.

ClinVar aggregate classification (germline): Uncertain significance. Review status: criteria provided, multiple submitters, no conflicts (2 of 4 stars). 3 submissions from 3 submitters: Uncertain significance (3). Last evaluated 2026-01-22.

Conditions:
Inborn genetic diseases. Identifiers: MedGen C0950123, MeSH D030342.

Allele frequency attached by ClinVar (database versions not stated): gnomAD exomes below 0.00001 and 0.00001; gnomAD 0.00001 and 0.00002; TOPMed 0.00003.
gnomAD v4.1: 13 of 1,612,380 alleles (0.00081%); highest among the groups gnomAD compares: African/African-American, 0.0013%; no homozygotes.

Submissions (3):

GeneDx
Classification: Uncertain significance. Last evaluated: 2026-01-22. Review status: criteria provided, single submitter. Criteria: GeneDx Variant Classification Process June 2021. Collection method: clinical testing. Allele origin: germline.
Comment: Not observed at significant frequency in large population cohorts (gnomAD); In silico analysis suggests that this missense variant does not alter protein structure/function; Has not been previously published as pathogenic or benign to our knowledge

Ambry Genetics
Classification: Uncertain significance for Inborn genetic diseases. Last evaluated: 2025-11-25. Review status: criteria provided, single submitter. Criteria: Ambry Variant Classification Scheme 2023. Collection method: clinical testing. Allele origin: germline.
Comment: The c.450T>G (p.D150E) alteration is located in exon 6 (coding exon 5) of the MME gene. This alteration results from a T to G substitution at nucleotide position 450, causing the aspartic acid (D) at amino acid position 150 to be replaced by a glutamic acid (E). Based on data from gnomAD, the G allele has an overall frequency of <0.001% (1/250022) total alleles studied. The highest observed frequency was 0.001% (1/113272) of European (non-Finnish) alleles. Based on insufficient or conflicting evidence, the clinical significance of this alteration remains unclear.

Labcorp Genetics (formerly Invitae), Labcorp
Classification: Uncertain significance. Last evaluated: 2022-07-22. Review status: criteria provided, single submitter. Criteria: Invitae Variant Classification Sherloc (09022015). Collection method: clinical testing. Allele origin: germline.
Comment: In summary, the available evidence is currently insufficient to determine the role of this variant in disease. Therefore, it has been classified as a Variant of Uncertain Significance. Algorithms developed to predict the effect of missense changes on protein structure and function output the following: SIFT: "Tolerated"; PolyPhen-2: "Benign"; Align-GVGD: "Class C0". The glutamic acid amino acid residue is found in multiple mammalian species, which suggests that this missense change does not adversely affect protein function. ClinVar contains an entry for this variant (Variation ID: 1383296). This variant has not been reported in the literature in individuals affected with MME-related conditions. This variant is present in population databases (rs201578556, gnomAD 0.0009%). This sequence change replaces aspartic acid, which is acidic and polar, with glutamic acid, which is acidic and polar, at codon 150 of the MME protein (p.Asp150Glu).